The following is an entry in ClinVar:

ClinVar aggregate classification (germline): Likely benign. Review status: criteria provided, multiple submitters, no conflicts (2 of 4 stars). 2 submissions from 2 submitters: Likely benign (2). Last evaluated 2018-02-07.

Conditions:
Hereditary cancer-predisposing syndrome. Also called: Tumor predisposition; Hereditary neoplastic syndrome; Neoplastic Syndromes, Hereditary; Hereditary Cancer Syndrome. Identifiers: Orphanet 140162, MedGen C0027672, MeSH D009386, MONDO:0015356.

Submissions (2):

Color Diagnostics, LLC DBA Color Health
Classification: Likely benign for Hereditary cancer-predisposing syndrome. Last evaluated: 2018-02-07. Review status: criteria provided, single submitter. Criteria: ACMG Guidelines, 2015. Collection method: clinical testing. Allele origin: germline.

GeneDx
Classification: Likely benign. Last evaluated: 2017-06-09. Review status: criteria provided, single submitter. Criteria: GeneDx Variant Classification (06012015). Collection method: clinical testing. Allele origin: germline. Affected: yes.
Comment: This variant is considered likely benign or benign based on one or more of the following criteria: it is a conservative change, it occurs at a poorly conserved position in the protein, it is predicted to be benign by multiple in silico algorithms, and/or has population frequency not consistent with disease.

NM_000179.3(MSH6):c.3801+14_3801+17dup

Gene: MSH6 (mutS homolog 6; plus strand). Cytogenetic location: 2p16.3.
Variant type: Duplication.
Coding change: c.3801+14_3801+17dup on transcript NM_000179.3 (MANE Select); bases 14 to 17 of the intron after coding-DNA position 3801, 4 bases duplicated (GTTT; older notation c.3801+14_3801+17dupGTTT).
Molecular consequence: intron variant.
Genome position (GRCh38, 1-based): chr2:47,806,372-47,806,375, GTTT duplicated; duplicating any 4 consecutive bases within chr2:47,806,370-47,806,375 gives the same sequence; the c. name uses the placement nearest the transcript's 3' end. VCF-style (leftmost placement, unchanged base first): chr2-47806369-A-ATTGT. GRCh37 (hg19) VCF-style: chr2-48033508-A-ATTGT.
Other names: c.2895+14_2895+17dup (NM_001281493.2, NM_001281494.2); c.3411+14_3411+17dup (NM_001281492.2); c.3801+14_3801+17dupGTTT (NM_000179.2).
Identifiers: ClinVar variation 517922 (VCV000517922.3), dbSNP rs758614117, ClinGen allele CA46719576.